The following is an entry in ClinVar:

NM_001145026.2(PTPRQ):c.2362G>A (p.Gly788Arg)

Gene: PTPRQ (protein tyrosine phosphatase receptor type Q; plus strand). Cytogenetic location: 12q21.31.
Variant type: single nucleotide variant.
Coding change: c.2362G>A on transcript NM_001145026.2 (MANE Select); coding-DNA position 2362, G replaced by A.
Protein change: p.Gly788Arg; replaces glycine 788 with arginine.
Molecular consequence: missense variant.
Genome position (GRCh38, 1-based): chr12:80,506,113, G>A. VCF-style: chr12-80506113-G-A. GRCh37 (hg19) VCF-style: chr12-80899892-G-A.
Other names: short protein forms G788R.
Identifiers: ClinVar variation 2446547 (VCV002446547.2), dbSNP rs753288938, ClinGen allele CA240224823.
Genomic context (GRCh38, chr12:80,506,113, plus strand): 5'-TACAAAAATATTTCTTCTGGAGAGATTGAGCTATCATTCCTTCCCCCAAGTAGTCCCAAT[G>A]GAATCATACAAAAATATACAATTTATCTCAAGAGAAGTAATGGAAATGAGGAAAGAACTA-3'
Protein context (NP_001138498.1, residues 778-798): LSFLPPSSPN[Gly788Arg]IIQKYTIYLK

ClinVar aggregate classification (germline): Uncertain significance. Review status: criteria provided, multiple submitters, no conflicts (2 of 4 stars). 2 submissions from 2 submitters: Uncertain significance (2). Last evaluated 2026-09-14.

Conditions:
PTPRQ-related disorder. Also called: PTPRQ-related condition.

Allele frequency attached by ClinVar (database versions not stated): gnomAD 0.00001; gnomAD exomes 0.00001; TOPMed 0.00003.

Submissions (2):

PreventionGenetics, part of Exact Sciences
Classification: Uncertain significance for PTPRQ-related condition. Last evaluated: 2026-09-14. Review status: criteria provided, single submitter. Criteria: ACMG Guidelines, 2015. Collection method: clinical testing. Allele origin: germline.
Comment: The PTPRQ c.2362G>A variant is predicted to result in the amino acid substitution p.Gly788Arg. To our knowledge, this variant has not been reported in the literature. This variant is reported in 0.073% of alleles in individuals of Latino descent in gnomAD. At this time, the clinical significance of this variant is uncertain due to the absence of conclusive functional and genetic evidence.

GeneDx
Classification: Uncertain significance. Last evaluated: 2022-09-28. Review status: criteria provided, single submitter. Criteria: GeneDx Variant Classification Process June 2021. Collection method: clinical testing. Allele origin: germline. Affected: yes.
Comment: In silico analysis supports that this missense variant has a deleterious effect on protein structure/function; Has not been previously published as pathogenic or benign to our knowledge